The following is an entry in ClinVar:

NM_000391.4(TPP1):c.1117C>G (p.Gln373Glu)

Gene: TPP1 (tripeptidyl peptidase 1; minus strand). Cytogenetic location: 11p15.4.
Variant type: single nucleotide variant.
Coding change: c.1117C>G on transcript NM_000391.4 (MANE Select); coding-DNA position 1117, C replaced by G.
Protein change: p.Gln373Glu; replaces glutamine 373 with glutamic acid.
Molecular consequence: missense variant.
Genome position (GRCh38, 1-based): chr11:6,616,033, G>C on the plus strand (C>G on the coding strand, the complement: TPP1 is on the minus strand). VCF-style: chr11-6616033-G-C. GRCh37 (hg19) VCF-style: chr11-6637264-G-C.
Other names: p.Q373E:CAG>GAG; p.Gln373Glu; short protein forms Q373E.
Identifiers: ClinVar variation 137701 (VCV000137701.23), dbSNP rs112812685, ClinGen allele CA291356.
Genomic context (GRCh38, chr11:6,616,033, plus strand): 5'-GTTATACCTGAGTGGTAGGCTAGAGTACTTACCTGGAGGCAGGGAAGGTAGGGCGGAACT[G>C]GTGTCTTCCAGAGACAGACCAACACCCGGCCCCACTGTCACCTGAGAGAGACCAAGTGTA-3'
Protein context (NP_000382.3, residues 363-383): AGCWSVSGRH[Gln373Glu]FRPTFPASSP

ClinVar aggregate classification (germline): Benign/Likely benign. Review status: criteria provided, multiple submitters, no conflicts (2 of 4 stars). 9 submissions from 9 submitters: Benign (7); Likely benign (2). Last evaluated 2026-02-02.

Conditions:
Inborn genetic diseases. Identifiers: MedGen C0950123, MeSH D030342.
Neuronal ceroid lipofuscinosis 2. Also called: TPP1-Related Neuronal Ceroid-Lipofuscinosis; JANSKY-BIELSCHOWSKY DISEASE NEURONAL CEROID LIPOFUSCINOSIS, LATE INFANTILE. Identifiers: Orphanet 168491, Orphanet 228349, Orphanet 79264, MedGen C1876161, MONDO:0008769, OMIM 204500.

Allele frequency attached by ClinVar (database versions not stated): gnomAD exomes 0.00079 and 0.00207; ExAC 0.00249; 1000 Genomes Project 30x 0.00656; 1000 Genomes Project 0.00679; gnomAD 0.00750 and 0.00817; TOPMed 0.00853; ESP Exome Variant Server 0.00877.
gnomAD v4.1: 2,377 of 1,614,168 alleles (0.15%); highest among the groups gnomAD compares: African/African-American, 2.7%; 20 homozygotes.

Submissions (9):

Labcorp Genetics (formerly Invitae), Labcorp
Classification: Benign. Last evaluated: 2026-02-02. Review status: criteria provided, single submitter. Criteria: Invitae Variant Classification Sherloc (09022015). Collection method: clinical testing. Allele origin: germline.

Mayo Clinic Laboratories, Mayo Clinic
Classification: Benign. Last evaluated: 2019-03-20. Review status: criteria provided, single submitter. Criteria: ACMG Guidelines, 2015. Collection method: clinical testing. Allele origin: germline. Observed: 7 variant alleles.

Athena Diagnostics
Classification: Benign. Last evaluated: 2018-02-20. Review status: criteria provided, single submitter. Criteria: Athena Diagnostics Criteria. Collection method: clinical testing. Allele origin: germline.

Illumina Laboratory Services, Illumina
Classification: Likely benign for Neuronal ceroid lipofuscinosis 2. Last evaluated: 2017-04-27. Review status: criteria provided, single submitter. Criteria: ICSL Variant Classification Criteria 13 December 2019. Collection method: clinical testing. Allele origin: germline.
Comment: This variant was observed as part of a predisposition screen in an ostensibly healthy population. A literature search was performed for the gene, cDNA change, and amino acid change (where applicable). Publications were found based on this search. The evidence from the literature, in combination with allele frequency data from public databases where available, was sufficient to determine this variant is unlikely to cause disease. Therefore, this variant is classified as likely benign.

Ambry Genetics
Classification: Benign for Inborn genetic diseases. Last evaluated: 2016-01-08. Review status: criteria provided, single submitter. Criteria: Ambry Variant Classification Scheme 2023. Collection method: clinical testing. Allele origin: germline.

Clinical Genetics DNA and cytogenetics Diagnostics Lab, Erasmus MC, Erasmus Medical Center
Classification: Benign for Neuronal ceroid lipofuscinosis 2. Last evaluated: 2015-11-23. Review status: criteria provided, single submitter. Criteria: ACGS Guidelines, 2013. Collection method: clinical testing. Allele origin: germline. Affected: yes. Study: VKGL Data-share Consensus.

Genome Diagnostics Laboratory, University Medical Center Utrecht
Classification: Benign for Neuronal ceroid lipofuscinosis 2. Last evaluated: 2014-10-09. Review status: criteria provided, single submitter. Criteria: ACGS Guidelines, 2013. Collection method: clinical testing. Allele origin: germline. Affected: yes. Study: VKGL Data-share Consensus.

GeneDx
Classification: Benign. Last evaluated: 2013-06-26. Review status: criteria provided, single submitter. Criteria: GeneDx Variant Classification (06012015). Collection method: clinical testing. Allele origin: germline. Affected: yes.
Comment: This variant is considered likely benign or benign based on one or more of the following criteria: it is a conservative change, it occurs at a poorly conserved position in the protein, it is predicted to be benign by multiple in silico algorithms, and/or has population frequency not consistent with disease.

Breakthrough Genomics
Classification: Likely benign. Review status: criteria provided, single submitter. Criteria: ACMG Guidelines, 2015. Collection method: not provided. Allele origin: germline. Inheritance: Autosomal recessive inheritance. Affected: yes.

Literature cited by the submitters: PubMed 24767253 (cited by Illumina Laboratory Services, Illumina and Ambry Genetics).